The following is an entry in ClinVar:

NM_001199107.2(TBC1D24):c.828C>G (p.Ile276Met)

Gene: TBC1D24 (TBC1 domain family member 24; plus strand). Cytogenetic location: 16p13.3.
Variant type: single nucleotide variant.
Coding change: c.828C>G on transcript NM_001199107.2 (MANE Select); coding-DNA position 828, C replaced by G.
Protein change: p.Ile276Met; replaces isoleucine 276 with methionine.
Molecular consequence: missense variant.
Genome position (GRCh38, 1-based): chr16:2,496,976, C>G. VCF-style: chr16-2496976-C-G. GRCh37 (hg19) VCF-style: chr16-2546977-C-G.
Other names: c.828C>G, p.Ile276Met (NM_020705.3); short protein forms I276M.
Identifiers: ClinVar variation 1955925 (VCV001955925.5), dbSNP rs764252146, ClinGen allele CA394377505.

ClinVar aggregate classification (germline): Uncertain significance (1 of 4 stars; one submission).

Conditions:
Developmental and epileptic encephalopathy, 1 (DEE1). Also called: X-linked infantile spasms; West's syndrome; Tonic spasms with clustering, arrest of psychomotor development and hypsarrhythmia on EEG; X-Linked Infantile Spasm Syndrome; OHTAHARA SYNDROME, X-LINKED; INFANTILE SPASM SYNDROME, X-LINKED 1. Identifiers: MedGen C3463992, MONDO:0010632, OMIM 308350. Disease mechanism: loss of function.
Autosomal dominant nonsyndromic hearing loss 65. Also called: Deafness, autosomal dominant 65; TBC1D24-Related Autosomal Dominant Nonsyndromic Hearing Loss (DFNA). Identifiers: Orphanet 90635, MedGen C3892048, MONDO:0014470, OMIM 616044.

gnomAD v4.1: 8 of 1,613,976 alleles (0.0005%); highest among the groups gnomAD compares: Middle Eastern, 0.066%; no homozygotes.

Submission:

Labcorp Genetics (formerly Invitae), Labcorp
Classification: Uncertain significance for Developmental and epileptic encephalopathy, 1; Autosomal dominant nonsyndromic hearing loss 65. Last evaluated: 2023-02-11. Review status: criteria provided, single submitter. Criteria: Invitae Variant Classification Sherloc (09022015). Collection method: clinical testing. Allele origin: germline.
Comment: In summary, the available evidence is currently insufficient to determine the role of this variant in disease. Therefore, it has been classified as a Variant of Uncertain Significance. Advanced modeling of protein sequence and biophysical properties (such as structural, functional, and spatial information, amino acid conservation, physicochemical variation, residue mobility, and thermodynamic stability) performed at Invitae indicates that this missense variant is not expected to disrupt TBC1D24 protein function. This variant has not been reported in the literature in individuals affected with TBC1D24-related conditions. This variant is present in population databases (no rsID available, gnomAD 0.0009%). This sequence change replaces isoleucine, which is neutral and non-polar, with methionine, which is neutral and non-polar, at codon 276 of the TBC1D24 protein (p.Ile276Met).